The following is an entry in ClinVar:

ClinVar aggregate classification (germline): Uncertain significance (1 of 4 stars; one submission).

Conditions:
Multiple sulfatase deficiency (MSD). Also called: Multiple Sulfatase Deficiency Disease; Sulfatidosis, Juvenile, Austin Type; Mucosulfatidosis. Identifiers: Orphanet 585, MedGen C0268263, MONDO:0010088, OMIM 272200.

Submission:

Labcorp Genetics (formerly Invitae), Labcorp
Classification: Uncertain significance for Multiple sulfatase deficiency. Last evaluated: 2022-04-07. Review status: criteria provided, single submitter. Criteria: Invitae Variant Classification Sherloc (09022015). Collection method: clinical testing. Allele origin: germline.
Comment: In summary, the available evidence is currently insufficient to determine the role of this variant in disease. Therefore, it has been classified as a Variant of Uncertain Significance. Algorithms developed to predict the effect of missense changes on protein structure and function are either unavailable or do not agree on the potential impact of this missense change (SIFT: "Deleterious"; PolyPhen-2: "Possibly Damaging"; Align-GVGD: "Class C0"). This sequence change replaces serine, which is neutral and polar, with tryptophan, which is neutral and slightly polar, at codon 26 of the SUMF1 protein (p.Ser26Trp). This variant is not present in population databases (gnomAD no frequency). This variant has not been reported in the literature in individuals affected with SUMF1-related conditions.

NM_182760.4(SUMF1):c.77C>G (p.Ser26Trp)

Gene: SUMF1 (sulfatase modifying factor 1; minus strand). Cytogenetic location: 3p26.1.
Variant type: single nucleotide variant.
Coding change: c.77C>G on transcript NM_182760.4 (MANE Select); coding-DNA position 77, C replaced by G.
Protein change: p.Ser26Trp; replaces serine 26 with tryptophan.
Molecular consequence: missense variant.
Genome position (GRCh38, 1-based): chr3:4,467,169, G>C on the plus strand (C>G on the coding strand, the complement: SUMF1 is on the minus strand). VCF-style: chr3-4467169-G-C. GRCh37 (hg19) VCF-style: chr3-4508853-G-C.
Other names: c.77C>G, p.Ser26Trp (NM_001164674.2, NM_001164675.2); short protein forms S26W.
Identifiers: ClinVar variation 2122688 (VCV002122688.4), dbSNP rs759963054, ClinGen allele CA351794593.